The following is an entry in ClinVar:

ClinVar aggregate classification (germline): Uncertain significance (1 of 4 stars; one submission).

Allele frequency attached by ClinVar (database versions not stated): TOPMed below 0.00001; gnomAD 0.00001.

Submission:

Labcorp Genetics (formerly Invitae), Labcorp
Classification: Uncertain significance. Last evaluated: 2022-07-26. Review status: criteria provided, single submitter. Criteria: Invitae Variant Classification Sherloc (09022015). Collection method: clinical testing. Allele origin: germline.
Comment: This sequence change replaces isoleucine, which is neutral and non-polar, with valine, which is neutral and non-polar, at codon 2389 of the VPS13A protein (p.Ile2389Val). This variant is not present in population databases (gnomAD no frequency). This variant has not been reported in the literature in individuals affected with VPS13A-related conditions. Algorithms developed to predict the effect of missense changes on protein structure and function output the following: SIFT: "Tolerated"; PolyPhen-2: "Benign"; Align-GVGD: "Class C0". The valine amino acid residue is found in multiple mammalian species, which suggests that this missense change does not adversely affect protein function. In summary, the available evidence is currently insufficient to determine the role of this variant in disease. Therefore, it has been classified as a Variant of Uncertain Significance.

NM_033305.3(VPS13A):c.7165A>G (p.Ile2389Val)

Gene: VPS13A (vacuolar protein sorting 13 homolog A; plus strand). Cytogenetic location: 9q21.2.
Variant type: single nucleotide variant.
Coding change: c.7165A>G on transcript NM_033305.3 (MANE Select); coding-DNA position 7165, A replaced by G.
Protein change: p.Ile2389Val; replaces isoleucine 2389 with valine.
Molecular consequence: missense variant.
Genome position (GRCh38, 1-based): chr9:77,345,018, A>G. VCF-style: chr9-77345018-A-G. GRCh37 (hg19) VCF-style: chr9-79959934-A-G.
Other names: c.7048A>G, p.Ile2350Val (NM_001018037.2); c.7165A>G, p.Ile2389Val (NM_001018038.3, NM_015186.4); short protein forms I2350V, I2389V.
Identifiers: ClinVar variation 2167411 (VCV002167411.1), dbSNP rs1301832979, ClinGen allele CA373853224.
Genomic context (GRCh38, chr9:77,345,018, plus strand): 5'-TATTCTTGGGAAAATGATTACATTAAAATGTTTTCTTTTTCTTTCTTCTAGCTTGGAGGT[A>G]TTATAGCAGAAGTGAATTTGGCCGAGCATTCTACAGTTATTACATTTTTAGATTATCATG-3'
Protein context (NP_150648.2, residues 2379-2399): LLRLDNELGG[Ile2389Val]IAEVNLAEHS